The following is an entry in ClinVar:

ClinVar aggregate classification (germline): Likely benign (1 of 4 stars; one submission).

Conditions:
TFAP2A-related disorder. Also called: TFAP2A-related condition.

Submission:

PreventionGenetics, part of Exact Sciences
Classification: Likely benign for TFAP2A-related condition. Last evaluated: 2025-11-10. Review status: criteria provided, single submitter. Criteria: ACMG Guidelines, 2015. Collection method: clinical testing. Allele origin: germline.
Comment: This variant is classified as likely benign based on ACMG/AMP sequence variant interpretation guidelines (Richards et al. 2015 PMID: 25741868, with internal and published modifications).

NM_001372066.1(TFAP2A):c.1179G>A (p.Val393=)

Gene: TFAP2A (transcription factor AP-2 alpha; minus strand). Cytogenetic location: 6p24.3.
Variant type: single nucleotide variant.
Coding change: c.1179G>A on transcript NM_001372066.1 (MANE Select); coding-DNA position 1179, G replaced by A.
Protein change: p.Val393=; no amino-acid change (valine 393 retained).
Molecular consequence: synonymous variant.
Genome position (GRCh38, 1-based): chr6:10,398,558, C>T on the plus strand (G>A on the coding strand, the complement: TFAP2A is on the minus strand). VCF-style: chr6-10398558-C-T. GRCh37 (hg19) VCF-style: chr6-10398791-C-T.
Other names: NM_003220.2:c.1173G>A; c.1155G>A, p.Val385= (NM_001032280.3); c.1161G>A, p.Val387= (NM_001042425.3).
Identifiers: ClinVar variation 4990161 (VCV004990161.1).
Genomic context (GRCh38, chr6:10,398,558, plus strand): 5'-TTTGTCCATGGCCTTGAGGGCCTCGGTGAGATAGTTCTGCAGGGCCGTGACCGCGGCACA[C>T]ACCGCGGGGCTGCCGAAGCCGTGGGAGATGAGGTTGAAGTGGGTCAAGCAGCTCTGGATG-3'
Protein context (NP_001358995.1, residues 383-403): LISHGFGSPA[Val393=]CAAVTALQNY